The following is an entry in ClinVar:

ClinVar aggregate classification (germline): Uncertain significance (1 of 4 stars; one submission).

Submission:

Ambry Genetics
Classification: Uncertain significance. Last evaluated: 2022-11-11. Review status: criteria provided, single submitter. Criteria: Ambry Variant Classification Scheme 2023. Collection method: clinical testing. Allele origin: germline.
Comment: The p.K1106T variant (also known as c.3317A>C), located in coding exon 16 of the POLQ gene, results from an A to C substitution at nucleotide position 3317. The lysine at codon 1106 is replaced by threonine, an amino acid with similar properties. This amino acid position is conserved. In addition, this alteration is predicted to be tolerated by in silico analysis. Since supporting evidence is limited at this time, the clinical significance of this alteration remains unclear.

NM_199420.4(POLQ):c.3317A>C (p.Lys1106Thr)

Gene: POLQ (DNA polymerase theta; minus strand). Cytogenetic location: 3q13.33.
Variant type: single nucleotide variant.
Coding change: c.3317A>C on transcript NM_199420.4 (MANE Select); coding-DNA position 3317, A replaced by C.
Protein change: p.Lys1106Thr; replaces lysine 1106 with threonine.
Molecular consequence: missense variant.
Genome position (GRCh38, 1-based): chr3:121,489,614, T>G on the plus strand (A>C on the coding strand, the complement: POLQ is on the minus strand). VCF-style: chr3-121489614-T-G. GRCh37 (hg19) VCF-style: chr3-121208461-T-G.
Other names: short protein forms K1106T.
Identifiers: ClinVar variation 2448906 (VCV002448906.2), dbSNP rs760441927, ClinGen allele CA354100699.